The following is an entry in ClinVar:

ClinVar aggregate classification (germline): Conflicting classifications of pathogenicity. Review status: criteria provided, conflicting classifications (1 of 4 stars). 4 submissions from 4 submitters: Likely pathogenic (1); Uncertain significance (2); Likely benign (1). Last evaluated 2025-12-13.

Conditions:
Hereditary nonpolyposis colorectal neoplasms. Identifiers: MedGen C0009405, MeSH D003123.
Ovarian cancer. Also called: OVARIAN CANCER, SOMATIC. Identifiers: Orphanet 213500, MedGen C1140680, MONDO:0008170, OMIM 167000.
Hereditary cancer-predisposing syndrome. Also called: Neoplastic Syndromes, Hereditary; Hereditary Cancer Syndrome; Tumor predisposition; Hereditary neoplastic syndrome. Identifiers: Orphanet 140162, MedGen C0027672, MeSH D009386, MONDO:0015356.

Allele frequency attached by ClinVar (database versions not stated): gnomAD exomes below 0.00001; ExAC 0.00001; gnomAD 0.00001; 1000 Genomes Project 30x 0.00016; 1000 Genomes Project 0.00020.

Submissions (4):

Labcorp Genetics (formerly Invitae), Labcorp
Classification: Likely benign for Hereditary nonpolyposis colorectal neoplasms. Last evaluated: 2025-12-13. Review status: criteria provided, single submitter. Criteria: Invitae Variant Classification Sherloc (09022015). Collection method: clinical testing. Allele origin: germline.

Ambry Genetics
Classification: Uncertain significance for Hereditary cancer-predisposing syndrome. Last evaluated: 2025-09-12. Review status: criteria provided, single submitter. Criteria: Ambry Variant Classification Scheme 2023. Collection method: clinical testing. Allele origin: germline.
Comment: The p.E1324Q variant (also known as c.3970G>C), located in coding exon 9 of the MSH6 gene, results from a G to C substitution at nucleotide position 3970. The glutamic acid at codon 1324 is replaced by glutamine, an amino acid with highly similar properties. This amino acid position is highly conserved in available vertebrate species. In addition, this alteration is predicted to be deleterious by in silico analysis. Since supporting evidence is limited at this time, the clinical significance of this alteration remains unclear.

Color Diagnostics, LLC DBA Color Health
Classification: Uncertain significance for Hereditary cancer-predisposing syndrome. Last evaluated: 2022-09-12. Review status: criteria provided, single submitter. Criteria: ACMG Guidelines, 2015. Collection method: clinical testing. Allele origin: germline.
Comment: This missense variant replaces glutamic acid with glutamine at codon 1324 of the MSH6 protein. Computational prediction suggests that this variant may have deleterious impact on protein structure and function (internally defined REVEL score threshold >= 0.7, PMID: 27666373). To our knowledge, functional studies have not been reported for this variant. This variant has not been reported in individuals affected with hereditary cancer in the literature. This variant has been identified in 1/247744 chromosomes in the general population by the Genome Aggregation Database (gnomAD). The available evidence is insufficient to determine the role of this variant in disease conclusively. Therefore, this variant is classified as a Variant of Uncertain Significance.

Laboratory of Molecular Epidemiology of Birth Defects, West China Second University Hospital, Sichuan University
Classification: Likely pathogenic for Ovarian cancer. Last evaluated: 2022-01-01. Review status: criteria provided, single submitter. Criteria: ACMG Guidelines, 2015. Collection method: clinical testing. Allele origin: germline. Affected: yes.

NM_000179.3(MSH6):c.3970G>C (p.Glu1324Gln)

Gene: MSH6 (mutS homolog 6; plus strand). Cytogenetic location: 2p16.3.
Variant type: single nucleotide variant.
Coding change: c.3970G>C on transcript NM_000179.3 (MANE Select); coding-DNA position 3970, G replaced by C.
Protein change: p.Glu1324Gln; replaces glutamic acid 1324 with glutamine.
Molecular consequence: missense variant.
Genome position (GRCh38, 1-based): chr2:47,806,620, G>C. VCF-style: chr2-47806620-G-C. GRCh37 (hg19) VCF-style: chr2-48033759-G-C.
Other names: c.3580G>C, p.Glu1194Gln (NM_001281492.2); c.3064G>C, p.Glu1022Gln (NM_001281493.2, NM_001281494.2); short protein forms E1324Q, E1022Q, E1194Q.
Identifiers: ClinVar variation 574631 (VCV000574631.20), dbSNP rs540890590, ClinGen allele CA072400.